The following is an entry in ClinVar:

NM_000057.4(BLM):c.1747G>T (p.Ala583Ser)

Gene: BLM (BLM RecQ like helicase; plus strand). Cytogenetic location: 15q26.1.
Variant type: single nucleotide variant.
Coding change: c.1747G>T on transcript NM_000057.4 (MANE Select); coding-DNA position 1747, G replaced by T.
Protein change: p.Ala583Ser; replaces alanine 583 with serine.
Molecular consequence: missense variant.
Genome position (GRCh38, 1-based): chr15:90,761,120, G>T. VCF-style: chr15-90761120-G-T. GRCh37 (hg19) VCF-style: chr15-91304350-G-T.
Other names: c.1747G>T, p.Ala583Ser (NM_001287246.2, NM_001287247.2); c.622G>T, p.Ala208Ser (NM_001287248.2); short protein forms A583S, A208S.
Identifiers: ClinVar variation 819980 (VCV000819980.13), dbSNP rs1043484811, ClinGen allele CA274738422.

ClinVar aggregate classification (germline): Uncertain significance. Review status: criteria provided, multiple submitters, no conflicts (2 of 4 stars). 2 submissions from 2 submitters: Uncertain significance (2). Last evaluated 2025-05-07.

Conditions:
Hereditary cancer-predisposing syndrome. Also called: Neoplastic Syndromes, Hereditary; Tumor predisposition; Hereditary Cancer Syndrome; Hereditary neoplastic syndrome. Identifiers: Orphanet 140162, MedGen C0027672, MeSH D009386, MONDO:0015356.
Bloom syndrome (BLM). Also called: Bloom-Torre-Machacek syndrome. Identifiers: Orphanet 125, MedGen C0005859, MONDO:0008876, OMIM 210900.

Allele frequency attached by ClinVar (database versions not stated): gnomAD exomes below 0.00001; TOPMed below 0.00001.
gnomAD v4.1: 1 of 1,541,570 alleles (0.000065%); highest among the groups gnomAD compares: Non-Finnish European, 0.000087%; no homozygotes.

Submissions (2):

Ambry Genetics
Classification: Uncertain significance for Hereditary cancer-predisposing syndrome. Last evaluated: 2025-05-07. Review status: criteria provided, single submitter. Criteria: Ambry Variant Classification Scheme 2023. Collection method: clinical testing. Allele origin: germline.
Comment: The p.A583S variant (also known as c.1747G>T), located in coding exon 6 of the BLM gene, results from a G to T substitution at nucleotide position 1747. The alanine at codon 583 is replaced by serine, an amino acid with similar properties. This amino acid position is not well conserved in available vertebrate species. In addition, this alteration is predicted to be tolerated by in silico analysis. Since supporting evidence is limited at this time, the clinical significance of this alteration remains unclear.

Labcorp Genetics (formerly Invitae), Labcorp
Classification: Uncertain significance for Bloom syndrome. Last evaluated: 2024-10-20. Review status: criteria provided, single submitter. Criteria: Invitae Variant Classification Sherloc (09022015). Collection method: clinical testing. Allele origin: germline.
Comment: This sequence change replaces alanine, which is neutral and non-polar, with serine, which is neutral and polar, at codon 583 of the BLM protein (p.Ala583Ser). This variant is not present in population databases (gnomAD no frequency). This variant has not been reported in the literature in individuals affected with BLM-related conditions. ClinVar contains an entry for this variant (Variation ID: 819980). Invitae Evidence Modeling of protein sequence and biophysical properties (such as structural, functional, and spatial information, amino acid conservation, physicochemical variation, residue mobility, and thermodynamic stability) indicates that this missense variant is not expected to disrupt BLM protein function with a negative predictive value of 80%. In summary, the available evidence is currently insufficient to determine the role of this variant in disease. Therefore, it has been classified as a Variant of Uncertain Significance.